The following is an entry in ClinVar:

NM_001005242.3(PKP2):c.953A>C (p.His318Pro)

Gene: PKP2 (plakophilin 2; minus strand). Cytogenetic location: 12p11.21.
Variant type: single nucleotide variant.
Coding change: c.953A>C on transcript NM_001005242.3 (MANE Select); coding-DNA position 953, A replaced by C.
Protein change: p.His318Pro; replaces histidine 318 with proline.
Molecular consequence: missense variant.
Genome position (GRCh38, 1-based): chr12:32,877,927, T>G on the plus strand (A>C on the coding strand, the complement: PKP2 is on the minus strand). VCF-style: chr12-32877927-T-G. GRCh37 (hg19) VCF-style: chr12-33030861-T-G.
Other names: c.953A>C, p.His318Pro (NM_004572.4); short protein forms H318P.
Identifiers: ClinVar variation 374967 (VCV000374967.24), dbSNP rs181098323, ClinGen allele CA039589.
Genomic context (GRCh38, chr12:32,877,927, plus strand): 5'-GTGCTTCTCTCAGTGAGCAGATTCCCACTTCCCCCTGCGGCCGCCTGGCCGACAGTCAAG[T>G]GCGCTCTCCTCCCGCTGGAATCCACGGCGACACTGGGCCCAGCTTCCCTCAGCGTGCGGG-3'
Protein context (NP_001005242.2, residues 308-328): VAVDSSGRRA[His318Pro]LTVGQAAAGG

ClinVar aggregate classification (germline): Likely benign. Review status: criteria provided, multiple submitters, no conflicts (2 of 4 stars). 8 submissions from 8 submitters: Likely benign (7). 1 of the submissions does not count toward it. Last evaluated 2026-02-03.

Conditions:
Arrhythmogenic right ventricular dysplasia 9 (ARVD9). Also called: ARRHYTHMOGENIC RIGHT VENTRICULAR DYSPLASIA, FAMILIAL, 9; Arrhythmogenic Right Ventricular Dysplasia/Cardiomyopathy 9. Identifiers: MedGen C1836906, MONDO:0012180, OMIM 609040.
Arrhythmogenic right ventricular cardiomyopathy (ARVD). Also called: Arrhythmogenic right ventricular dysplasia; Cardiomyopathy, ARVC; Arrhythmogenic cardiomyopathy; Arrhythmogenic Right Ventricular Cardiomyopathy (ARVC). Identifiers: Orphanet 247, MedGen C0349788, MeSH D019571, MONDO:0016587. Disease mechanism: loss of function. Inheritance: Various modes of inheritance.
Cardiovascular phenotype. Identifiers: MedGen CN230736.
Cardiomyopathy (CMYO). Also called: Cardiomyopathies. Identifiers: Orphanet 167848, MedGen C0878544, MONDO:0004994, HP:0001638. Inheritance: Various modes of inheritance.

Allele frequency attached by ClinVar (database versions not stated): TOPMed 0.00003; gnomAD 0.00004 and 0.00009; ExAC 0.00010; 1000 Genomes Project 30x 0.00047; 1000 Genomes Project 0.00060.
gnomAD v4.1: 358 of 1,614,144 alleles (0.022%); highest among the groups gnomAD compares: East Asian, 0.79%; 4 homozygotes.

Submissions (8):

Labcorp Genetics (formerly Invitae), Labcorp
Classification: Likely benign for Arrhythmogenic right ventricular dysplasia 9. Last evaluated: 2026-02-03. Review status: criteria provided, single submitter. Criteria: Invitae Variant Classification Sherloc (09022015). Collection method: clinical testing. Allele origin: germline.

All of Us Research Program, National Institutes of Health
Classification: Likely benign for Arrhythmogenic right ventricular cardiomyopathy. Last evaluated: 2023-12-13. Review status: criteria provided, single submitter. Criteria: ACMG Guidelines, 2015. Collection method: clinical testing. Allele origin: germline. Inheritance: Autosomal dominant inheritance. Observed: 17 variant alleles, 17 heterozygotes.
Comment: This study involves interpretation of variants in research participants for the purpose of population health screening. Participant phenotype was not available at the time of variant classification. Additional details can be found in publication PMID: 35346344, PMCID: PMC8962531

Women's Health and Genetics/Laboratory Corporation of America, LabCorp
Classification: Likely benign. Last evaluated: 2023-05-17. Review status: criteria provided, single submitter. Criteria: LabCorp Variant Classification Summary - May 2015. Collection method: clinical testing. Allele origin: germline.
Comment: Variant summary: PKP2 c.953A>C (p.His318Pro) results in a non-conservative amino acid change in the encoded protein sequence. Four of five in-silico tools predict a benign effect of the variant on protein function. The variant allele was found at a frequency of 0.0037 in 328294 control chromosomes, including 10 homozygotes (gnomAD and jMorp databases (Tadaka_2021)). The observed variant frequency is approximately 5.72 fold of the estimated maximal expected allele frequency for a pathogenic variant in PKP2 causing Arrhythmogenic Right Ventricular Dysplasia/Cardiomyopathy phenotype (0.00065), strongly suggesting that the variant is benign. c.953A>C has been reported in the literature in individuals affected with Arrhythmogenic Right Ventricular Dysplasia/Cardiomyopathy, however without strong evidence for causality (e.g., Ohno_2013, Wada_2017). These reports therefore do not provide unequivocal conclusions about association of the variant with Arrhythmogenic Right Ventricular Dysplasia/Cardiomyopathy. The following publications have been ascertained in the context of this evaluation (PMID: 33179747, 23514727, 29178656). Five ClinVar submitters (evaluation after 2014) have reported the variant with conflicting assessments: 4 submitters classified the variant as likely benign, and one submitter classified the variant as uncertain significance. Based on the evidence outlined above, the variant was classified as likely benign.

Blueprint Genetics
Classification: Likely benign. Last evaluated: 2021-09-21. Review status: criteria provided, single submitter. Criteria: ACMG Guidelines, 2015. Collection method: clinical testing. Allele origin: germline.

Color Diagnostics, LLC DBA Color Health
Classification: Likely benign for Cardiomyopathy. Last evaluated: 2020-02-18. Review status: criteria provided, single submitter. Criteria: ACMG Guidelines, 2015. Collection method: clinical testing. Allele origin: germline.

Ambry Genetics
Classification: Likely benign for Cardiovascular phenotype. Last evaluated: 2019-06-18. Review status: criteria provided, single submitter. Criteria: Ambry Variant Classification Scheme 2023. Collection method: clinical testing. Allele origin: germline.

Illumina Laboratory Services, Illumina
Classification: Likely benign for Arrhythmogenic right ventricular dysplasia 9. Last evaluated: 2018-10-26. Review status: criteria provided, single submitter. Criteria: ICSL Variant Classification Criteria 13 December 2019. Collection method: clinical testing. Allele origin: germline.
Comment: This variant was observed as part of a predisposition screen in an ostensibly healthy population. A literature search was performed for the gene, cDNA change, and amino acid change (where applicable). Publications were found based on this search. The evidence from the literature, in combination with allele frequency data from public databases where available, was sufficient to determine this variant is unlikely to cause disease. Therefore, this variant is classified as likely benign.

Knight Diagnostic Laboratories, Oregon Health and Sciences University
Classification: Uncertain significance for Arrhythmogenic right ventricular dysplasia 9. Last evaluated: 2016-03-30. Review status: no assertion criteria provided. Criteria: ACMG Guidelines, 2015. Collection method: clinical testing. Allele origin: germline. Affected: no. Study: CSER-NextGen. Not counted in ClinVar's aggregate classification.

Literature cited by the submitters: PubMed 23514727 (cited by 3 submitters); PubMed 29178656 (cited by Women's Health and Genetics/Laboratory Corporation of America, LabCorp and Ambry Genetics); PubMed 33179747 (cited by Women's Health and Genetics/Laboratory Corporation of America, LabCorp).